The following is an entry in ClinVar:

NM_138713.4(NFAT5):c.1540A>C (p.Met514Leu)

Gene: NFAT5 (nuclear factor of activated T cells 5; plus strand). Cytogenetic location: 16q22.1.
Variant type: single nucleotide variant.
Coding change: c.1540A>C on transcript NM_138713.4 (MANE Select); coding-DNA position 1540, A replaced by C.
Protein change: p.Met514Leu; replaces methionine 514 with leucine.
Molecular consequence: missense variant.
Genome position (GRCh38, 1-based): chr16:69,670,271, A>C. VCF-style: chr16-69670271-A-C. GRCh37 (hg19) VCF-style: chr16-69704174-A-C.
Other names: c.1540A>C, p.Met514Leu (NM_001113178.3); c.868A>C, p.Met290Leu (NM_001367709.1); c.1486A>C, p.Met496Leu (NM_006599.4); c.1258A>C, p.Met420Leu (NM_138714.4, NM_173214.3, NM_173215.3); short protein forms M420L, M514L, M290L, M496L.
Identifiers: ClinVar variation 2114593 (VCV002114593.4), dbSNP rs756169271, ClinGen allele CA8135573.

ClinVar aggregate classification (germline): Uncertain significance (1 of 4 stars; one submission).

Conditions:
Immunodeficiency. Identifiers: MedGen C0021051, MONDO:0021094, HP:0002721.

Allele frequency attached by ClinVar (database versions not stated): ExAC 0.00001.
gnomAD v4.1: 3 of 1,583,932 alleles (0.00019%); highest among the groups gnomAD compares: Admixed American, 0.0018%; no homozygotes.

Submission:

Labcorp Genetics (formerly Invitae), Labcorp
Classification: Uncertain significance for Immunodeficiency. Last evaluated: 2022-03-19. Review status: criteria provided, single submitter. Criteria: Invitae Variant Classification Sherloc (09022015). Collection method: clinical testing. Allele origin: germline.
Comment: In summary, the available evidence is currently insufficient to determine the role of this variant in disease. Therefore, it has been classified as a Variant of Uncertain Significance. Algorithms developed to predict the effect of missense changes on protein structure and function are either unavailable or do not agree on the potential impact of this missense change (SIFT: "Tolerated"; PolyPhen-2: "Possibly Damaging"; Align-GVGD: "Class C0"). This variant has not been reported in the literature in individuals affected with NFAT5-related conditions. This variant is present in population databases (rs756169271, gnomAD 0.001%). This sequence change replaces methionine, which is neutral and non-polar, with leucine, which is neutral and non-polar, at codon 420 of the NFAT5 protein (p.Met420Leu).